The following is an entry in ClinVar:

ClinVar aggregate classification (germline): Pathogenic. Review status: criteria provided, multiple submitters, no conflicts (2 of 4 stars). 2 submissions from 2 submitters: Pathogenic (2). Last evaluated 2023-12-18.

Conditions:
Microcephaly, normal intelligence and immunodeficiency (NBS). Also called: IMMUNODEFICIENCY, MICROCEPHALY, AND CHROMOSOMAL INSTABILITY; SEEMANOVA SYNDROME II; BERLIN BREAKAGE SYNDROME; Immunodeficiency, microcephaly with normal intelligence; Nijmegen breakage syndrome; Microcephaly with normal intelligence immunodeficiency and lymphoreticular malignancies. Identifiers: Orphanet 647, MedGen C0398791, MONDO:0009623, OMIM 251260.

Allele frequency attached by ClinVar (database versions not stated): TOPMed below 0.00001.

Submissions (2):

Myriad Genetics, Inc.
Classification: Pathogenic for Microcephaly, normal intelligence and immunodeficiency. Last evaluated: 2023-12-18. Review status: criteria provided, single submitter. Criteria: Myriad Autosomal Dominant, Autosomal Recessive and X-Linked Classification Criteria (2023). Collection method: clinical testing. Allele origin: unknown.
Comment: NM_002485.4(NBN):c.836delA(Q279Rfs*3) is expected to be pathogenic in the context of Nijmegen breakage syndrome. This variant is predicted to lead to an abnormal or absent protein product due to the creation of a premature termination codon in NBN, a gene where loss-of-function variants are known to be pathogenic. Please note: this variant was assessed in the context of healthy population screening.

Labcorp Genetics (formerly Invitae), Labcorp
Classification: Pathogenic for Microcephaly, normal intelligence and immunodeficiency. Last evaluated: 2022-07-19. Review status: criteria provided, single submitter. Criteria: Invitae Variant Classification Sherloc (09022015). Collection method: clinical testing. Allele origin: germline.
Comment: This sequence change creates a premature translational stop signal (p.Gln279Argfs*3) in the NBN gene. It is expected to result in an absent or disrupted protein product. Loss-of-function variants in NBN are known to be pathogenic (PMID: 9590180, 16415040). For these reasons, this variant has been classified as Pathogenic. ClinVar contains an entry for this variant (Variation ID: 461583). This variant has not been reported in the literature in individuals affected with NBN-related conditions. This variant is not present in population databases (gnomAD no frequency).

Literature cited by the submitters: PubMed 9590180 (cited by Labcorp Genetics (formerly Invitae), Labcorp); PubMed 16415040 (cited by Labcorp Genetics (formerly Invitae), Labcorp).

NM_002485.5(NBN):c.836del (p.Gln279fs)

Gene: NBN (nibrin; minus strand). Cytogenetic location: 8q21.3.
Variant type: Deletion.
Coding change: c.836del on transcript NM_002485.5 (MANE Select); coding-DNA position 836, one base deleted (A; older notation c.836delA).
Protein change: p.Gln279fs; shifts the reading frame from glutamine 279.
Molecular consequence: frameshift variant.
Genome position (GRCh38, 1-based): chr8:89,970,424, T deleted on the plus strand (A on the coding strand, the reverse complement: NBN is on the minus strand). VCF-style (leftmost placement, unchanged base first): chr8-89970423-CT-C. GRCh37 (hg19) VCF-style: chr8-90982651-CT-C.
Other names: c.836delA (NM_002485.4); c.590del, p.Gln197fs (NM_001024688.3); short protein forms Q197fs, Q279fs.
Identifiers: ClinVar variation 461583 (VCV000461583.7), dbSNP rs1554563878, ClinGen allele CA658657805.